The following is an entry in ClinVar:

ClinVar aggregate classification (germline): Uncertain significance (1 of 4 stars; one submission).

Conditions:
Hereditary cancer-predisposing syndrome. Also called: Neoplastic Syndromes, Hereditary; Tumor predisposition; Hereditary neoplastic syndrome; Hereditary Cancer Syndrome. Identifiers: Orphanet 140162, MedGen C0027672, MeSH D009386, MONDO:0015356.

Submission:

Ambry Genetics
Classification: Uncertain significance for Hereditary cancer-predisposing syndrome. Last evaluated: 2026-07-07. Review status: criteria provided, single submitter. Criteria: Ambry Variant Classification Scheme 2023. Collection method: clinical testing. Allele origin: germline.
Comment: The p.D154Y variant (also known as c.460G>T), located in coding exon 5 of the NF2 gene, results from a G to T substitution at nucleotide position 460. The aspartic acid at codon 154 is replaced by tyrosine, an amino acid with highly dissimilar properties. This amino acid position is conserved. In addition, this alteration is predicted to be deleterious by in silico analysis. Based on the available evidence, the clinical significance of this variant remains unclear.

NM_000268.4(NF2):c.460G>T (p.Asp154Tyr)

Gene: NF2 (NF2, moesin-ezrin-radixin like (MERLIN) tumor suppressor; plus strand). Cytogenetic location: 22q12.2.
Variant type: single nucleotide variant.
Coding change: c.460G>T on transcript NM_000268.4 (MANE Select); coding-DNA position 460, G replaced by T.
Protein change: p.Asp154Tyr; replaces aspartic acid 154 with tyrosine.
Molecular consequence: missense variant. On other transcripts: 5 prime UTR variant (1), intron variant (1).
Genome position (GRCh38, 1-based): chr22:29,654,669, G>T. VCF-style: chr22-29654669-G-T. GRCh37 (hg19) VCF-style: chr22-30050658-G-T.
Other names: c.346G>T, p.Asp116Tyr (NM_001407053.1, NM_001407056.1); c.337G>T, p.Asp113Tyr (NM_001407054.1, NM_001407058.1, NM_001407062.1 and 1 more transcripts); c.334G>T, p.Asp112Tyr (NM_001407055.1, NM_181828.3); c.460G>T, p.Asp154Tyr (NM_001407057.1, NM_001407059.1, NM_001407060.1 and 4 more transcripts); c.211G>T, p.Asp71Tyr (NM_001407063.1, NM_001407064.1, NM_181830.3 and 1 more transcripts); c.-181G>T (NM_001407065.1); c.229G>T, p.Asp77Tyr (NM_001407067.1); c.447+12384G>T (NM_181833.3); short protein forms D71Y, D154Y, D77Y, D116Y, D112Y, D113Y.
Identifiers: ClinVar variation 5025698 (VCV005025698.1).